The following is an entry in ClinVar:

NM_002055.5(GFAP):c.259G>A (p.Val87Ile)

Gene: GFAP (glial fibrillary acidic protein; minus strand). Cytogenetic location: 17q21.31.
Variant type: single nucleotide variant.
Coding change: c.259G>A on transcript NM_002055.5 (MANE Select); coding-DNA position 259, G replaced by A.
Protein change: p.Val87Ile; replaces valine 87 with isoleucine.
Molecular consequence: missense variant.
Genome position (GRCh38, 1-based): chr17:44,915,228, C>T on the plus strand (G>A on the coding strand, the complement: GFAP is on the minus strand). VCF-style: chr17-44915228-C-T. GRCh37 (hg19) VCF-style: chr17-42992596-C-T.
Other names: NM_002055.5(GFAP):c.259G>A; c.259G>A, p.Val87Ile (NM_001131019.3, NM_001242376.3, NM_001363846.2); short protein forms V87I.
Identifiers: ClinVar variation 190339 (VCV000190339.12), dbSNP rs267607518, ClinGen allele CA347191.
Genomic context (GRCh38, chr17:44,915,228, plus strand): 5'-TGGCCCGCAGCTGGTTCAGCTCAGCAGCCAGCGCCTTGTTTTGCTGTTCCAGGAAGCGAA[C>T]CTTCTCGATGTAGCTGGCAAAGCGGTCATTGAGCTCCATCATCTCTGCCCGCTCACTGGC-3'
Protein context (NP_002046.1, residues 77-97): NDRFASYIEK[Val87Ile]RFLEQQNKAL

ClinVar aggregate classification (germline): Pathogenic. Review status: reviewed by expert panel (3 of 4 stars). 4 submissions from 4 submitters: Pathogenic (1). 3 of the submissions do not count toward it. Last evaluated 2026-08-18.

Conditions:
Alexander disease (ALXDRD). Also called: Alexander's disease. Identifiers: Orphanet 58, MedGen C0270726, MONDO:0008752, OMIM 203450.

Submissions (4):

ClinGen Leukodystrophy and Leukoencephalopathy Variant Curation Expert Panel, ClinGen
Classification: Pathogenic for Alexander disease. Last evaluated: 2026-08-18. Review status: reviewed by expert panel. Criteria: ClinGen Leuko ACMG Specifications GFAP V1.0. Collection method: curation. Allele origin: germline. Inheritance: Autosomal dominant inheritance.
Comment: The NM_002055.5(GFAP):c.259G>A, variant in GFAP is a missense variant predicited to cause a substitution of valine by isoleucine at amino acid 87 (p.Val87Ile). This variant has been reported in three probands who met definite diagnostic criteria for Alexander Disease per ClinGen Leukodystrophy and Leukoencephalopathy Expert Panel Specifications to the ACMG/AMP Variant Interpretation Guidelines for GFAP Version 1.0.0 (PS4_Moderate; PMID: 21902566, PMID: 24306001). The variant was identified as a de novo occurrence with unconfirmed parental relationships in one of these probands (PM6; PMID: 21902566). Another of these probands displayed elevated GFAP protein levels in plasma and CSF, which is highly specific for Alexander Disease (PP4_[Strong], PMID: 26478912). This variant is absent from gnomAD v[4.1.1] (PM2_Supporting). This variant resides within a region, amino acids 59 – 88, of GFAP that is defined as a region with significant missense constraint by the ClinGen Leukodystrophy and Leukoencephalopathy Expert Panel Specifications to the ACMG/AMP Variant Interpretation Guidelines for GFAP Version 1.0.0 (PM1). One missense variant, c.259G>C, p.Val87Leu [ClinVar Variation ID: 66477], in the same codon has been classified as pathogenic for Alexander Disease (PM5). In summary, this variant meets the criteria to be classified Pathogenic for Alexander Disease based on the ACMG/AMP criteria applied, as specified by the ClinGen Leukodystrophy and Leukoencephalopathy VCEP: PP4_Strong, PM1, PS4_Moderate, PM6, PM5, PM2_Supporting, (ClinGen Leukodystrophy and Leukoencephalopathy VCEP Specifications Version 1.0.0).

Labcorp Genetics (formerly Invitae), Labcorp
Classification: Pathogenic. Last evaluated: 2022-08-31. Review status: criteria provided, single submitter. Criteria: Invitae Variant Classification Sherloc (09022015). Collection method: clinical testing. Allele origin: germline. Not counted in ClinVar's aggregate classification.
Comment: ClinVar contains an entry for this variant (Variation ID: 190339). This variant is not present in population databases (gnomAD no frequency). This missense change has been observed in individuals with Alexander disease (PMID: 21533827, 24306001; Invitae). Algorithms developed to predict the effect of missense changes on protein structure and function (SIFT, PolyPhen-2, Align-GVGD) all suggest that this variant is likely to be disruptive. This variant disrupts the p.Val87 amino acid residue in GFAP. Other variant(s) that disrupt this residue have been observed in individuals with GFAP-related conditions (PMID: 21533827, 24306001), which suggests that this may be a clinically significant amino acid residue. For these reasons, this variant has been classified as Pathogenic. This sequence change replaces valine, which is neutral and non-polar, with isoleucine, which is neutral and non-polar, at codon 87 of the GFAP protein (p.Val87Ile).

Lifecell International Pvt. Ltd
Classification: Pathogenic for Alexander disease. Review status: criteria provided, single submitter. Criteria: ACMG Guidelines, 2015. Collection method: clinical testing. Allele origin: germline. Inheritance: Autosomal dominant inheritance. Affected: yes. Observed: 1 heterozygote. Not counted in ClinVar's aggregate classification.
Comment: A Heterozygous Missense variant c.259G>A in Exon 1 of the GFAP gene that results in the amino acid substitution p.Val87Ile was identified. The observed variant is novel in gnomAD exomes and genomes, respectively. The severity of the impact of this variant on the protein is medium, based on the effect of the protein and REVEL score . Rare Exome Variant Ensemble Learner (REVEL) is an ensembl method for predicting the pathogenicity of missense variants based on a combination of scores from 13 individual tools: MutPred, FATHMM v2.3, VEST 3.0, PolyPhen-2, SIFT, PROVEAN, MutationAssessor, MutationTaster, LRT, GERP++, SiPhy, phyloP, and phastCons. The REVEL score for an individual missense variant can range from 0 to 1, with higher scores reflecting greater likelihood that the variant is disease-causing. ClinVar has also classified this variant as Pathogenic(variant ID 190339). This variant has been observed in many individuals affected with Alexander disease reported by (Srivastava S, et al., 1993). Based on the above evidence this variant has been classified as Pathogenic according to the ACMG guidelines.

GeneReviews
Classification: Pathogenic for Alexander's disease. Last evaluated: 2015-01-08. Review status: no assertion criteria provided. Collection method: literature only. Allele origin: germline. Affected: yes. Not counted in ClinVar's aggregate classification.

Literature cited by the submitters: PubMed 21533827 (cited by Labcorp Genetics (formerly Invitae), Labcorp); PubMed 24306001 (cited by Labcorp Genetics (formerly Invitae), Labcorp and GeneReviews); PubMed 20301351 (cited by Lifecell International Pvt. Ltd); PubMed 219025661 (cited by GeneReviews).